The following is an entry in ClinVar:

ClinVar aggregate classification (germline): Pathogenic. Review status: no assertion criteria provided (0 of 4 stars). 2 submissions from 2 submitters: Pathogenic (2). Last evaluated 2024-10-15.

Conditions:
Pyruvate dehydrogenase E1-alpha deficiency (PDHAD). Also called: ATAXIA, INTERMITTENT, WITH PYRUVATE DEHYDROGENASE DEFICIENCY; ATAXIA WITH LACTIC ACIDOSIS I; ATAXIA, INTERMITTENT, WITH ABNORMAL PYRUVATE METABOLISM; Ataxia, intermittent, with pyruvate dehydrogenase, or decarboxylase, deficiency. Identifiers: Orphanet 79243, MedGen C1839413, MONDO:0010717, OMIM 312170.

Submissions (2):

PDHA1 Study Group, University Children’s Hospital, Paracelsus Medical University
Classification: Pathogenic for Pyruvate dehydrogenase E1-alpha deficiency. Last evaluated: 2024-10-15. Review status: no assertion criteria provided. Collection method: research. Allele origin: de novo. Affected: yes. Observed: 2 variant alleles.
Comment: The NM_000284.3:c.938_940del (p.Lys313del) change is a deletion-insertion (delins) variant in PDHA1 gene. In total, 2 individuals were diagnosed with PDHA1-related Pyruvate dehydrogenase complex (PDHc) deficiency (MIM #312170). Among them, 1 case had confirmed de novo occurrence. The variant has been reported in 1 published case (PMIDs: 1909401). Last literature search: July 12, 2024. This variant is absent or extremely rare in population-based cohorts in the Genome Aggregation Database (gnomAD). Individuals harboring this variant presented with clinical features compatible with PDHA1-related PDHc deficiency. In summary, this variant meets criteria to be classified as pathogenic (P) for PDHA1-related PDHc deficiency based on the ACMG/AMP criteria applied: PS3, PM1, PM2, PM4, PM7, PP5 (last assessment October 15, 2024).

OMIM
Classification: Pathogenic for PYRUVATE DEHYDROGENASE E1-ALPHA DEFICIENCY. Last evaluated: 1991-01-01. Review status: no assertion criteria provided. Collection method: literature only. Allele origin: germline.

Literature cited by the submitters: PubMed 1909401 (cited by PDHA1 Study Group, University Children’s Hospital, Paracelsus Medical University and OMIM); DOI 10.1093/brain/awaf430 (cited by PDHA1 Study Group, University Children’s Hospital, Paracelsus Medical University).

NM_000284.4(PDHA1):c.938_940del (p.Lys313del)

Gene: PDHA1 (pyruvate dehydrogenase E1 subunit alpha 1; plus strand). Cytogenetic location: Xp22.12.
Variant type: Deletion.
Coding change: c.938_940del on transcript NM_000284.4 (MANE Select); coding-DNA positions 938 to 940, 3 bases deleted (AGA; older notation c.938_940delAGA).
Protein change: p.Lys313del; deletes lysine 313.
Molecular consequence: inframe deletion.
Genome position (GRCh38, 1-based): chrX:19,358,954-19,358,956, AGA deleted; deleting any 3 consecutive bases within chrX:19,358,953-19,358,956 gives the same sequence; the c. name uses the placement nearest the transcript's 3' end. VCF-style (leftmost placement, unchanged base first): chrX-19358952-TAAG-T. GRCh37 (hg19) VCF-style: chrX-19377070-TAAG-T.
Other names: c.1052_1054del, p.Lys351del (NM_001173454.2); c.959_961del, p.Lys320del (NM_001173455.2); c.845_847del, p.Lys282del (NM_001173456.2); c.938_940del (NM_000284.3); short protein forms K313del, K320del, K282del, K351del.
Identifiers: ClinVar variation 10874 (VCV000010874.2), dbSNP rs137853251, ClinGen allele CA121206.